The following is an entry in ClinVar:

ClinVar aggregate classification (germline): Uncertain significance (1 of 4 stars; one submission).

Conditions:
LAMA2-related muscular dystrophy (LAMA2-RD). Also called: Laminin alpha 2-related dystrophy. Identifiers: MedGen C5679788, MONDO:0100228.

Submission:

Labcorp Genetics (formerly Invitae), Labcorp
Classification: Uncertain significance for LAMA2-related muscular dystrophy. Last evaluated: 2019-06-18. Review status: criteria provided, single submitter. Criteria: Invitae Variant Classification Sherloc (09022015). Collection method: clinical testing. Allele origin: germline.
Comment: This variant results in a copy number gain of the genomic region encompassing exons 4-8 of the LAMA2 gene. While the exact position of this variant cannot be determined from this data, sub-genic copy number gains are generally in tandem (PMID: 25640679). This variant would be expected to be in-frame, preserving the integrity of the reading frame. This variant has not been reported in the literature in individuals with LAMA2-related disease. In summary, the available evidence is currently insufficient to determine the role of this variant in disease. Therefore, it has been classified as a Variant of Uncertain Significance.

Literature cited by the submitters: PubMed 25640679.

NC_000006.11:g.(?_129419305)_(129475838_?)dup

Gene: LAMA2 (laminin subunit alpha 2; plus strand). Cytogenetic location: 6q22.33.
Variant type: Duplication.
Identifiers: ClinVar variation 644818 (VCV000644818.7).